The following is an entry in ClinVar:

NM_000124.4(ERCC6):c.3961T>G (p.Ser1321Ala)

Gene: ERCC6 (ERCC excision repair 6, chromatin remodeling factor; minus strand). Cytogenetic location: 10q11.23.
Variant type: single nucleotide variant.
Coding change: c.3961T>G on transcript NM_000124.4 (MANE Select); coding-DNA position 3961, T replaced by G.
Protein change: p.Ser1321Ala; replaces serine 1321 with alanine.
Molecular consequence: missense variant.
Genome position (GRCh38, 1-based): chr10:49,461,374, A>C on the plus strand (T>G on the coding strand, the complement: ERCC6 is on the minus strand). VCF-style: chr10-49461374-A-C. GRCh37 (hg19) VCF-style: chr10-50669420-A-C.
Other names: c.3961T>G, p.Ser1321Ala (NM_001346440.2); short protein forms S1321A.
Identifiers: ClinVar variation 3771094 (VCV003771094.13).
Genomic context (GRCh38, chr10:49,461,374, plus strand): 5'-TGGACTCCTTGCAAGTATGGCATGCAGCAATCTCTTACTTTTTTCCTGCTGGTGCACCAG[A>C]AATCCCCCTGTGGCCAGTCCAGGTGGGAACACCAGACACTGCTCCCAGACACCGCTGACG-3'
Protein context (NP_000115.1, residues 1311-1331): VPTWTGHRGI[Ser1321Ala]GAPAGKKSRF

ClinVar aggregate classification (germline): Uncertain significance (1 of 4 stars; one submission).

gnomAD v4.1: 1 of 1,613,556 alleles (0.000062%); no homozygotes.

Submission:

CeGaT Center for Human Genetics Tuebingen
Classification: Uncertain significance. Last evaluated: 2024-12-01. Review status: criteria provided, single submitter. Criteria: CeGaT Center For Human Genetics Tuebingen Variant Classification Criteria Version 2. Collection method: clinical testing. Allele origin: germline. Affected: yes. Observed: 1 variant allele.
Comment: ERCC6: PM2, BP4